The following is an entry in ClinVar:

NM_001142800.2(EYS):c.3695T>C (p.Ile1232Thr)

Gene: EYS (EGF-like photoreceptor maintenance factor; minus strand). Cytogenetic location: 6q12.
Variant type: single nucleotide variant.
Coding change: c.3695T>C on transcript NM_001142800.2 (MANE Select); coding-DNA position 3695, T replaced by C.
Protein change: p.Ile1232Thr; replaces isoleucine 1232 with threonine.
Molecular consequence: missense variant.
Genome position (GRCh38, 1-based): chr6:64,593,299, A>G on the plus strand (T>C on the coding strand, the complement: EYS is on the minus strand). VCF-style: chr6-64593299-A-G. GRCh37 (hg19) VCF-style: chr6-65303192-A-G.
Other names: c.3695T>C, p.Ile1232Thr (NM_001292009.2); short protein forms I1232T.
Identifiers: ClinVar variation 551910 (VCV000551910.15), dbSNP rs146413074, ClinGen allele CA3877136.

ClinVar aggregate classification (germline): Uncertain significance. Review status: criteria provided, multiple submitters, no conflicts (2 of 4 stars). 7 submissions from 7 submitters: Uncertain significance (5). 2 of the submissions do not count toward it. Last evaluated 2024-12-02.

Conditions:
Retinal dystrophy. Also called: Inherited retinal dystrophy. Identifiers: Orphanet 71862, MedGen C0854723, MeSH D058499, MONDO:0019118, HP:0000556.
Retinitis pigmentosa 25 (RP25). Identifiers: Orphanet 791, MedGen C1864446, MONDO:0011272, OMIM 602772.

Allele frequency attached by ClinVar (database versions not stated): ExAC 0.00005; gnomAD exomes 0.00008; TOPMed 0.00014; gnomAD 0.00015 and 0.00016; 1000 Genomes Project 30x 0.00047; 1000 Genomes Project 0.00060.
gnomAD v4.1: 107 of 1,549,614 alleles (0.0069%); highest among the groups gnomAD compares: African/African-American, 0.045%; no homozygotes.

Submissions (7):

Labcorp Genetics (formerly Invitae), Labcorp
Classification: Uncertain significance. Last evaluated: 2024-12-02. Review status: criteria provided, single submitter. Criteria: Invitae Variant Classification Sherloc (09022015). Collection method: clinical testing. Allele origin: germline.
Comment: This sequence change replaces isoleucine, which is neutral and non-polar, with threonine, which is neutral and polar, at codon 1232 of the EYS protein (p.Ile1232Thr). This variant is present in population databases (rs146413074, gnomAD 0.04%). This missense change has been observed in individual(s) with retinitis pigmentosa (PMID: 22164218, 29159838). ClinVar contains an entry for this variant (Variation ID: 551910). Invitae Evidence Modeling of protein sequence and biophysical properties (such as structural, functional, and spatial information, amino acid conservation, physicochemical variation, residue mobility, and thermodynamic stability) indicates that this missense variant is not expected to disrupt EYS protein function with a negative predictive value of 80%. This variant disrupts the p.Ile232 amino acid residue in EYS. Other variant(s) that disrupt this residue have been observed in individuals with EYS-related conditions (PMID: 20333770), which suggests that this may be a clinically significant amino acid residue. In summary, the available evidence is currently insufficient to determine the role of this variant in disease. Therefore, it has been classified as a Variant of Uncertain Significance.

Blueprint Genetics
Classification: Uncertain significance. Last evaluated: 2024-08-12. Review status: criteria provided, single submitter. Criteria: ACMG Guidelines, 2015. Collection method: clinical testing. Allele origin: germline.

Women's Health and Genetics/Laboratory Corporation of America, LabCorp
Classification: Uncertain significance. Last evaluated: 2024-02-20. Review status: criteria provided, single submitter. Criteria: LabCorp Variant Classification Summary - May 2015. Collection method: clinical testing. Allele origin: germline.
Comment: Variant summary: EYS c.3695T>C (p.Ile1232Thr) results in a non-conservative amino acid change in the encoded protein sequence. Four of five in-silico tools predict a benign effect of the variant on protein function. The variant allele was found at a frequency of 7.7e-05 in 155446 control chromosomes (gnomAD). This frequency is not significantly higher than estimated for a pathogenic variant in EYS causing Retinitis Pigmentosa (7.7e-05 vs 0.0034), allowing no conclusion about variant significance. c.3695T>C has been reported in the literature in individuals affected with Retinitis Pigmentosa (examples: Gonzlez-del Pozo_2011, Messchaert_2018, Xu_2021). These data do not allow any conclusion about variant significance. To our knowledge, no experimental evidence demonstrating an impact on protein function has been reported. The following publications have been ascertained in the context of this evaluation (PMID: 22164218, 29159838, 34178978). ClinVar contains an entry for this variant (Variation ID: 551910). Based on the evidence outlined above, the variant was classified as uncertain significance.

Institute of Human Genetics, Univ. Regensburg, Univ. Regensburg
Classification: Uncertain significance for Retinal dystrophy. Last evaluated: 2022-01-01. Review status: criteria provided, single submitter. Criteria: ACMG Guidelines, 2015. Collection method: clinical testing. Allele origin: germline. Affected: yes.

Fulgent Genetics
Classification: Uncertain significance for Retinitis pigmentosa 25. Last evaluated: 2021-09-08. Review status: criteria provided, single submitter. Criteria: ACMG Guidelines, 2015. Collection method: clinical testing. Allele origin: unknown.

Natera, Inc.
Classification: Uncertain significance for Retinitis pigmentosa type 25. Last evaluated: 2020-08-31. Review status: no assertion criteria provided. Collection method: clinical testing. Allele origin: germline. Not counted in ClinVar's aggregate classification.

Counsyl
Classification: Uncertain significance for Retinitis pigmentosa 25. Last evaluated: 2017-05-17. Review status: no assertion criteria provided. Collection method: clinical testing. Allele origin: unknown. Not counted in ClinVar's aggregate classification.

Literature cited by the submitters: PubMed 22164218 (cited by 4 submitters); PubMed 29159838 (cited by Labcorp Genetics (formerly Invitae), Labcorp and Women's Health and Genetics/Laboratory Corporation of America, LabCorp); PubMed 20333770 (cited by Labcorp Genetics (formerly Invitae), Labcorp); PubMed 34178978 (cited by Women's Health and Genetics/Laboratory Corporation of America, LabCorp).